The following is an entry in ClinVar:

ClinVar aggregate classification (germline): Uncertain significance (1 of 4 stars; one submission).

Conditions:
Luscan-Lumish syndrome. Identifiers: Orphanet 597738, MedGen C4085873, MONDO:0014791, OMIM 616831.
Inborn genetic diseases. Identifiers: MedGen C0950123, MeSH D030342.

Allele frequency attached by ClinVar (database versions not stated): TOPMed 0.00001; gnomAD exomes 0.00001; gnomAD 0.00002.
gnomAD v4.1: 15 of 1,614,062 alleles (0.00093%); highest among the groups gnomAD compares: African/African-American, 0.0013%; no homozygotes.

Submission:

Ambry Genetics
Classification: Uncertain significance for Inborn genetic diseases. Last evaluated: 2025-08-02. Review status: criteria provided, single submitter. Criteria: Ambry Variant Classification Scheme 2023. Collection method: clinical testing. Allele origin: germline.

NM_014159.7(SETD2):c.5858A>G (p.Glu1953Gly)

Gene: SETD2 (SET domain containing 2, histone lysine methyltransferase; minus strand). Cytogenetic location: 3p21.31.
Variant type: single nucleotide variant.
Coding change: c.5858A>G on transcript NM_014159.7 (MANE Select); coding-DNA position 5858, A replaced by G.
Protein change: p.Glu1953Gly; replaces glutamic acid 1953 with glycine.
Molecular consequence: missense variant. On other transcripts: non-coding transcript variant (1).
Genome position (GRCh38, 1-based): chr3:47,083,922, T>C on the plus strand (A>G on the coding strand, the complement: SETD2 is on the minus strand). VCF-style: chr3-47083922-T-C. GRCh37 (hg19) VCF-style: chr3-47125412-T-C.
Other names: c.5726A>G, p.Glu1909Gly (NM_001349370.3); short protein forms E1953G, E1909G.
Identifiers: ClinVar variation 2331130 (VCV002331130.4), dbSNP rs1358400248, ClinGen allele CA352533120.